The following is an entry in ClinVar:

ClinVar aggregate classification (germline): Uncertain significance (1 of 4 stars; one submission).

Conditions:
Colorectal cancer, hereditary nonpolyposis, type 7. Identifiers: Orphanet 144, MedGen C1858380, MONDO:0013725, OMIM 614385.

Submission:

Labcorp Genetics (formerly Invitae), Labcorp
Classification: Uncertain significance for Colorectal cancer, hereditary nonpolyposis, type 7. Last evaluated: 2023-02-27. Review status: criteria provided, single submitter. Criteria: Invitae Variant Classification Sherloc (09022015). Collection method: clinical testing. Allele origin: germline.
Comment: In summary, the available evidence is currently insufficient to determine the role of this variant in disease. Therefore, it has been classified as a Variant of Uncertain Significance. Experimental studies and prediction algorithms are not available or were not evaluated, and the functional significance of this variant is currently unknown. This variant has not been reported in the literature in individuals affected with MLH3-related conditions. This variant is not present in population databases (gnomAD no frequency). This variant, c.953_955del, results in the deletion of 1 amino acid(s) of the MLH3 protein (p.Asp318del), but otherwise preserves the integrity of the reading frame.

NM_001040108.2(MLH3):c.950ATG[1] (p.Asp318del)

Gene: MLH3 (mutL homolog 3; minus strand). Cytogenetic location: 14q24.3.
Variant type: Microsatellite.
Coding change: c.950ATG[1] on transcript NM_001040108.2 (MANE Select); one copy of the 3-base unit ATG starting at c.950; the reference has two copies in a row; one copy, 3 bases deleted.
Protein change: p.Asp318del; deletes aspartic acid 318.
Molecular consequence: inframe deletion.
Genome position (GRCh38, 1-based): chr14:75,048,701-75,048,703, CAT deleted on the plus strand (ATG on the coding strand, the reverse complement: MLH3 is on the minus strand); deleting any 3 consecutive bases within chr14:75,048,701-75,048,706 gives the same sequence; the position shown is the placement nearest the transcript's 3' end. VCF-style (leftmost placement, unchanged base first): chr14-75048700-ACAT-A. GRCh37 (hg19) VCF-style: chr14-75515403-ACAT-A.
Other names: c.950ATG[1], p.Asp318del (NM_014381.3); short protein forms D318del.
Identifiers: ClinVar variation 1036220 (VCV001036220.8), dbSNP rs1892443767, ClinGen allele CA964772087.